The following is an entry in ClinVar:

NM_000070.3(CAPN3):c.2239A>G (p.Met747Val)

Gene: CAPN3 (calpain 3; plus strand). Cytogenetic location: 15q15.1.
Variant type: single nucleotide variant.
Coding change: c.2239A>G on transcript NM_000070.3 (MANE Select); coding-DNA position 2239, A replaced by G.
Protein change: p.Met747Val; replaces methionine 747 with valine.
Molecular consequence: missense variant.
Genome position (GRCh38, 1-based): chr15:42,410,642, A>G. VCF-style: chr15-42410642-A-G. GRCh37 (hg19) VCF-style: chr15-42702840-A-G.
Other names: c.2221A>G, p.Met741Val (NM_024344.2); c.1963A>G, p.Met655Val (NM_173087.2); c.703A>G, p.Met235Val (NM_173088.2); c.244A>G, p.Met82Val (NM_173089.2, NM_173090.2); short protein forms M235V, M741V, M82V, M655V, M747V.
Identifiers: ClinVar variation 4709026 (VCV004709026.1).

ClinVar aggregate classification (germline): Uncertain significance (1 of 4 stars; one submission).

Conditions:
Autosomal recessive limb-girdle muscular dystrophy type 2A (LGMDR1). Also called: MUSCULAR DYSTROPHY, PELVOFEMORAL; Limb-girdle muscular dystrophy, type 2A; Calpainopathy; LEYDEN-MOEBIUS MUSCULAR DYSTROPHY; Muscular dystrophy, limb-girdle, type 2A, Amish. Identifiers: Orphanet 267, MedGen C1869123, MONDO:0009675, OMIM 253600. Disease mechanism: loss of function.

gnomAD v4.1: 2 of 1,613,784 alleles (0.00012%); highest among the groups gnomAD compares: Non-Finnish European, 0.00017%; no homozygotes.

Submission:

Labcorp Genetics (formerly Invitae), Labcorp
Classification: Uncertain significance for Autosomal recessive limb-girdle muscular dystrophy type 2A. Last evaluated: 2025-02-13. Review status: criteria provided, single submitter. Criteria: Invitae Variant Classification Sherloc (09022015). Collection method: clinical testing. Allele origin: germline.
Comment: This sequence change replaces methionine, which is neutral and non-polar, with valine, which is neutral and non-polar, at codon 747 of the CAPN3 protein (p.Met747Val). This variant is present in population databases (no rsID available, gnomAD 0.0009%). This variant has not been reported in the literature in individuals affected with CAPN3-related conditions. Invitae Evidence Modeling of protein sequence and biophysical properties (such as structural, functional, and spatial information, amino acid conservation, physicochemical variation, residue mobility, and thermodynamic stability) indicates that this missense variant is not expected to disrupt CAPN3 protein function with a negative predictive value of 80%. Algorithms developed to predict the effect of sequence changes on RNA splicing suggest that this variant may create or strengthen a splice site. In summary, the available evidence is currently insufficient to determine the role of this variant in disease. Therefore, it has been classified as a Variant of Uncertain Significance.